The following is an entry in ClinVar:

NM_198994.3(TGM6):c.851-2A>C

Gene: TGM6 (transglutaminase 6; plus strand). Cytogenetic location: 20p13.
Variant type: single nucleotide variant.
Coding change: c.851-2A>C on transcript NM_198994.3 (MANE Select); the canonical splice acceptor site of the intron before coding-DNA position 851, A replaced by C.
Molecular consequence: splice acceptor variant.
Genome position (GRCh38, 1-based): chr20:2,400,304, A>C. VCF-style: chr20-2400304-A-C. GRCh37 (hg19) VCF-style: chr20-2380950-A-C.
Other names: c.851-2A>C (NM_001254734.2).
Identifiers: ClinVar variation 1941865 (VCV001941865.6), dbSNP rs748484145, ClinGen allele CA9731867.

ClinVar aggregate classification (germline): Uncertain significance. Review status: criteria provided, multiple submitters, no conflicts (2 of 4 stars). 2 submissions from 2 submitters: Uncertain significance (2). Last evaluated 2024-09-09.

Allele frequency attached by ClinVar (database versions not stated): TOPMed below 0.00001; ExAC 0.00001; gnomAD exomes 0.00001; gnomAD 0.00002.
gnomAD v4.1: 12 of 1,614,028 alleles (0.00074%); highest among the groups gnomAD compares: South Asian, 0.0011%; no homozygotes.

Submissions (2):

Blueprint Genetics
Classification: Uncertain significance. Last evaluated: 2024-09-09. Review status: criteria provided, single submitter. Criteria: ACMG Guidelines, 2015. Collection method: clinical testing. Allele origin: germline.

Labcorp Genetics (formerly Invitae), Labcorp
Classification: Uncertain significance. Last evaluated: 2022-08-17. Review status: criteria provided, single submitter. Criteria: Invitae Variant Classification Sherloc (09022015). Collection method: clinical testing. Allele origin: germline.
Comment: This sequence change affects an acceptor splice site in intron 6 of the TGM6 gene. It is expected to disrupt RNA splicing. Variants that disrupt the donor or acceptor splice site typically lead to a loss of protein function (PMID: 16199547), however the current clinical and genetic evidence is not sufficient to establish whether loss-of-function variants in TGM6 cause disease. This variant is present in population databases (rs748484145, gnomAD 0.003%). This variant has not been reported in the literature in individuals affected with TGM6-related conditions. Algorithms developed to predict the effect of sequence changes on RNA splicing suggest that this variant may disrupt the consensus splice site. In summary, the available evidence is currently insufficient to determine the role of this variant in disease. Therefore, it has been classified as a Variant of Uncertain Significance.

Literature cited by the submitters: PubMed 16199547 (cited by Labcorp Genetics (formerly Invitae), Labcorp).